The following is an entry in ClinVar:

NM_001458.5(FLNC):c.1814-1G>A

Gene: FLNC (filamin C; plus strand). Cytogenetic location: 7q32.1.
Variant type: single nucleotide variant.
Coding change: c.1814-1G>A on transcript NM_001458.5 (MANE Select); the canonical splice acceptor site of the intron before coding-DNA position 1814, G replaced by A.
Molecular consequence: splice acceptor variant.
Genome position (GRCh38, 1-based): chr7:128,841,169, G>A. VCF-style: chr7-128841169-G-A. GRCh37 (hg19) VCF-style: chr7-128481223-G-A.
Other names: c.1814-1G>A (NM_001127487.2).
Identifiers: ClinVar variation 2924561 (VCV002924561.3), dbSNP rs866887062, ClinGen allele CA166217085.

ClinVar aggregate classification (germline): Likely pathogenic (1 of 4 stars; one submission).

Conditions:
Myofibrillar myopathy 5. Also called: Filaminopathy (type); FILAMINOPATHY, AUTOSOMAL DOMINANT. Identifiers: Orphanet 171445, MedGen C1836050, MONDO:0012289, OMIM 609524.
Hypertrophic cardiomyopathy 26. Also called: Cardiomyopathy, familial hypertrophic, 26. Identifiers: Orphanet 75249, MedGen C4310749, MONDO:0014883, OMIM 617047.
Distal myopathy with posterior leg and anterior hand involvement. Also called: WILLIAMS DISTAL MYOPATHY. Identifiers: Orphanet 63273, MedGen C3279722, MONDO:0013550, OMIM 614065.

Submission:

Labcorp Genetics (formerly Invitae), Labcorp
Classification: Likely pathogenic for Distal myopathy with posterior leg and anterior hand involvement; Myofibrillar myopathy 5; Hypertrophic cardiomyopathy 26. Last evaluated: 2023-01-30. Review status: criteria provided, single submitter. Criteria: Invitae Variant Classification Sherloc (09022015). Collection method: clinical testing. Allele origin: germline.
Comment: This sequence change affects an acceptor splice site in intron 11 of the FLNC gene. It is expected to disrupt RNA splicing. Variants that disrupt the donor or acceptor splice site typically lead to a loss of protein function (PMID: 16199547), and loss-of-function variants in FLNC are known to be pathogenic (PMID: 27908349). This variant is not present in population databases (gnomAD no frequency). This variant has not been reported in the literature in individuals affected with FLNC-related conditions. Algorithms developed to predict the effect of sequence changes on RNA splicing suggest that this variant may disrupt the consensus splice site. In summary, the currently available evidence indicates that the variant is pathogenic, but additional data are needed to prove that conclusively. Therefore, this variant has been classified as Likely Pathogenic.

Literature cited by the submitters: PubMed 16199547; PubMed 27908349.